The following is an entry in ClinVar:

ClinVar aggregate classification (germline): Uncertain significance (1 of 4 stars; one submission).

Conditions:
Tuberous sclerosis 2 (TSC2). Identifiers: Orphanet 805, MedGen C1860707, MONDO:0013199, OMIM 613254.

Submission:

Labcorp Genetics (formerly Invitae), Labcorp
Classification: Uncertain significance for Tuberous sclerosis 2. Last evaluated: 2024-05-16. Review status: criteria provided, single submitter. Criteria: Invitae Variant Classification Sherloc (09022015). Collection method: clinical testing. Allele origin: germline.
Comment: This sequence change replaces alanine, which is neutral and non-polar, with aspartic acid, which is acidic and polar, at codon 1716 of the TSC2 protein (p.Ala1716Asp). This variant is not present in population databases (gnomAD no frequency). This variant has not been reported in the literature in individuals affected with TSC2-related conditions. Advanced modeling of protein sequence and biophysical properties (such as structural, functional, and spatial information, amino acid conservation, physicochemical variation, residue mobility, and thermodynamic stability) has been performed at Invitae for this missense variant, however the output from this modeling did not meet the statistical confidence thresholds required to predict the impact of this variant on TSC2 protein function. In summary, the available evidence is currently insufficient to determine the role of this variant in disease. Therefore, it has been classified as a Variant of Uncertain Significance.

NM_000548.5(TSC2):c.5147C>A (p.Ala1716Asp)

Gene: TSC2 (TSC complex subunit 2; plus strand). Cytogenetic location: 16p13.3.
Variant type: single nucleotide variant.
Coding change: c.5147C>A on transcript NM_000548.5 (MANE Select); coding-DNA position 5147, C replaced by A.
Protein change: p.Ala1716Asp; replaces alanine 1716 with aspartic acid.
Molecular consequence: missense variant. On other transcripts: non-coding transcript variant (5).
Genome position (GRCh38, 1-based): chr16:2,088,126, C>A. VCF-style: chr16-2088126-C-A. GRCh37 (hg19) VCF-style: chr16-2138127-C-A.
Other names: c.4475C>A, p.Ala1492Asp (NM_001406684.1); c.4349C>A, p.Ala1450Asp (NM_001406685.1, NM_001406686.1); c.4346C>A, p.Ala1449Asp (NM_001406687.1, NM_001406688.1); c.3734C>A, p.Ala1245Asp (NM_001406689.1); c.3674C>A, p.Ala1225Asp (NM_001406690.1); c.3671C>A, p.Ala1224Asp (NM_001406691.1); c.3605C>A, p.Ala1202Asp (NM_001406692.1, NM_001406693.1, NM_001406694.1); c.4934C>A, p.Ala1645Asp (NM_001406673.1); and 26 more; short protein forms A1224D, A1472D, A1492D, A1493D, A1600D, A1644D, A1646D, A1650D.
Identifiers: ClinVar variation 3637260 (VCV003637260.2).